The following is an entry in ClinVar:

NM_003072.5(SMARCA4):c.780G>C (p.Met260Ile)

Gene: SMARCA4 (SWI/SNF related BAF chromatin remodeling complex subunit ATPase 4; plus strand). Cytogenetic location: 19p13.2.
Variant type: single nucleotide variant.
Coding change: c.780G>C on transcript NM_003072.5 (MANE Select); coding-DNA position 780, G replaced by C.
Protein change: p.Met260Ile; replaces methionine 260 with isoleucine.
Molecular consequence: missense variant. On other transcripts: non-coding transcript variant (1).
Genome position (GRCh38, 1-based): chr19:10,986,924, G>C. VCF-style: chr19-10986924-G-C. GRCh37 (hg19) VCF-style: chr19-11097600-G-C.
Other names: c.780G>C, p.Met260Ile (NM_001128844.3, NM_001128845.2, NM_001128846.2 and 5 more transcripts); short protein forms M260I.
Identifiers: ClinVar variation 1387008 (VCV001387008.9), dbSNP rs753962571, ClinGen allele CA9203577.
Genomic context (GRCh38, chr19:10,986,924, plus strand): 5'-TGGGACGCACTGTTTTCTCTTTTGTTTCTCCCTACATGTAGGTATGGGAGGGCCCAACAT[G>C]CCTCCCCCAGGACCCTCGGGCGTGCCCCCCGGGATGCCAGGCCAGCCTCCTGGAGGGCCT-3'
Protein context (NP_003063.2, residues 250-270): SRPHGMGGPN[Met260Ile]PPPGPSGVPP

ClinVar aggregate classification (germline): Uncertain significance. Review status: criteria provided, multiple submitters, no conflicts (2 of 4 stars). 2 submissions from 2 submitters: Uncertain significance (2). Last evaluated 2025-04-29.

Conditions:
Hereditary cancer-predisposing syndrome. Also called: Neoplastic Syndromes, Hereditary; Tumor predisposition; Hereditary neoplastic syndrome; Hereditary Cancer Syndrome. Identifiers: Orphanet 140162, MedGen C0027672, MeSH D009386, MONDO:0015356.
Rhabdoid tumor predisposition syndrome 2 (RTPS2). Identifiers: Orphanet 231108, Orphanet 69077, MedGen C2750074, MONDO:0013224, OMIM 613325.

Allele frequency attached by ClinVar (database versions not stated): gnomAD exomes below 0.00001 and 0.00001; TOPMed below 0.00001; ExAC 0.00001; gnomAD 0.00001.
gnomAD v4.1: 4 of 1,612,442 alleles (0.00025%); highest among the groups gnomAD compares: Non-Finnish European, 0.00034%; no homozygotes.

Submissions (2):

Ambry Genetics
Classification: Uncertain significance for Hereditary cancer-predisposing syndrome. Last evaluated: 2025-04-29. Review status: criteria provided, single submitter. Criteria: Ambry Variant Classification Scheme 2023. Collection method: clinical testing. Allele origin: germline.
Comment: The p.M260I variant (also known as c.780G>C), located in coding exon 4 of the SMARCA4 gene, results from a G to C substitution at nucleotide position 780. The methionine at codon 260 is replaced by isoleucine, an amino acid with highly similar properties. This amino acid position is highly conserved in available vertebrate species. In addition, the in silico prediction for this alteration is inconclusive. Missense and in-frame variants in SMARCA4 are known to cause neurodevelopmental disorders; however, such associations with rhabdoid tumor predisposition syndrome including small cell carcinoma of the ovary-hypercalcemic type (SCCOHT) are exceedingly rare (Kosho T et al. Am J Med Genet C Semin Med Genet. 2014 Sep;166C(3):262-75; Jelinic P et al. Nat Genet. 2014 May;46(5):424-6). Based on the supporting evidence, the association of this alteration with Coffin-Siris syndrome is unknown; however, the association of this alteration with rhabdoid tumor predisposition syndrome is unlikely.

Labcorp Genetics (formerly Invitae), Labcorp
Classification: Uncertain significance for Rhabdoid tumor predisposition syndrome 2. Last evaluated: 2023-03-08. Review status: criteria provided, single submitter. Criteria: Invitae Variant Classification Sherloc (09022015). Collection method: clinical testing. Allele origin: germline.
Comment: In summary, the available evidence is currently insufficient to determine the role of this variant in disease. Therefore, it has been classified as a Variant of Uncertain Significance. Advanced modeling of protein sequence and biophysical properties (such as structural, functional, and spatial information, amino acid conservation, physicochemical variation, residue mobility, and thermodynamic stability) performed at Invitae indicates that this missense variant is not expected to disrupt SMARCA4 protein function. ClinVar contains an entry for this variant (Variation ID: 1387008). This variant has not been reported in the literature in individuals affected with SMARCA4-related conditions. This variant is present in population databases (rs753962571, gnomAD 0.0009%). This sequence change replaces methionine, which is neutral and non-polar, with isoleucine, which is neutral and non-polar, at codon 260 of the SMARCA4 protein (p.Met260Ile).